The following is an entry in ClinVar:

ClinVar aggregate classification (germline): Likely benign (1 of 4 stars; one submission).

Allele frequency attached by ClinVar (database versions not stated): 1000 Genomes Project 0.00519; 1000 Genomes Project 30x 0.00593; TOPMed 0.00630; gnomAD 0.00715; ExAC 0.00757; ESP Exome Variant Server 0.00892.
gnomAD v4.1: 14,218 of 1,614,164 alleles (0.88%); highest among the groups gnomAD compares: Non-Finnish European, 0.96%; 63 homozygotes.

Submission:

CeGaT Center for Human Genetics Tuebingen
Classification: Likely benign. Last evaluated: 2022-08-01. Review status: criteria provided, single submitter. Criteria: CeGaT Center For Human Genetics Tuebingen Variant Classification Criteria Version 2. Collection method: clinical testing. Allele origin: germline. Affected: yes. Observed: 1 variant allele.
Comment: LPIN3: BP4, BP7

NM_022896.3(LPIN3):c.141C>G (p.Pro47=)

Gene: LPIN3 (lipin 3; plus strand). Cytogenetic location: 20q12.
Variant type: single nucleotide variant.
Coding change: c.141C>G on transcript NM_022896.3 (MANE Select); coding-DNA position 141, C replaced by G.
Protein change: p.Pro47=; no amino-acid change (proline 47 retained).
Molecular consequence: synonymous variant. On other transcripts: non-coding transcript variant (1).
Genome position (GRCh38, 1-based): chr20:41,345,944, C>G. VCF-style: chr20-41345944-C-G. GRCh37 (hg19) VCF-style: chr20-39974584-C-G.
Other names: c.141C>G, p.Pro47= (NM_001301860.2).
Identifiers: ClinVar variation 2652326 (VCV002652326.24), dbSNP rs41277014, ClinGen allele CA9860234.
Genomic context (GRCh38, chr20:41,345,944, plus strand): 5'-GAGCGGCGGCATTGACGTGCTGGTGGTGAAGCAGGTGGACGGCTCGTTCCGGTGCTCACC[C>G]TTCCACGTGCGTTTTGGCAAGCTGGGCGTCCTGCGGTCGCGGGAGAAGGTGGTGAGTGCT-3'
Protein context (NP_075047.1, residues 37-57): KQVDGSFRCS[Pro47=]FHVRFGKLGV